The following is an entry in ClinVar:

NM_147127.5(EVC2):c.1328T>C (p.Ile443Thr)

Genes: EVC2 (EvC ciliary complex subunit 2; minus strand), LOC126806961 (BRD4-independent group 4 enhancer GRCh37_chr4:5641443-5642642; plus strand). Cytogenetic location: 4p16.2.
Variant type: single nucleotide variant.
Coding change: c.1328T>C on transcript NM_147127.5 (MANE Select); coding-DNA position 1328, T replaced by C.
Protein change: p.Ile443Thr; replaces isoleucine 443 with threonine.
Molecular consequence: missense variant.
Genome position (GRCh38, 1-based): chr4:5,640,656, A>G on the plus strand (T>C on the coding strand, the complement: EVC2 is on the minus strand). VCF-style: chr4-5640656-A-G. GRCh37 (hg19) VCF-style: chr4-5642383-A-G.
Other names: c.1088T>C, p.Ile363Thr (NM_001166136.2); short protein forms I363T, I443T.
Identifiers: ClinVar variation 1472082 (VCV001472082.4), dbSNP rs1459733035, ClinGen allele CA356151689.
Genomic context (GRCh38, chr4:5,640,656, plus strand): 5'-CTTGTTTCCAGGTCACATTCAGCTGTCAATGCCACCATCTTCCGATCGTACTCCTCTTGT[A>G]TTTCATTTTCCAGCAATAGAAACTGCTTTTTGAAAACAGCACTCATTTTTCTCTCTACTT-3'
Protein context (NP_667338.3, residues 433-453): KKQFLLLENE[Ile443Thr]QEEYDRKMVA

ClinVar aggregate classification (germline): Uncertain significance (1 of 4 stars; one submission).

Conditions:
Ellis-van Creveld syndrome (EVC). Also called: EVC-Related Ellis-van Creveld Syndrome; EVC2-Related Ellis-van Creveld Syndrome; MESOECTODERMAL DYSPLASIA; Chondroectodermal dysplasia. Identifiers: Orphanet 289, MedGen C0013903, MONDO:0009162, OMIM 225500.
Curry-Hall syndrome (WAD). Also called: WEYERS ACRODENTAL DYSOSTOSIS. Identifiers: Orphanet 952, MedGen C0457013, MONDO:0008673, OMIM 193530.

Allele frequency attached by ClinVar (database versions not stated): gnomAD exomes below 0.00001 and 0.00001; gnomAD 0.00001; TOPMed 0.00002.
gnomAD v4.1: 5 of 1,613,820 alleles (0.00031%); highest among the groups gnomAD compares: Admixed American, 0.0033%; no homozygotes.

Submission:

Labcorp Genetics (formerly Invitae), Labcorp
Classification: Uncertain significance for Curry-Hall syndrome; Ellis-van Creveld syndrome. Last evaluated: 2022-03-18. Review status: criteria provided, single submitter. Criteria: Invitae Variant Classification Sherloc (09022015). Collection method: clinical testing. Allele origin: germline.
Comment: This sequence change replaces isoleucine, which is neutral and non-polar, with threonine, which is neutral and polar, at codon 443 of the EVC2 protein (p.Ile443Thr). This variant is present in population databases (no rsID available, gnomAD 0.003%). This variant has not been reported in the literature in individuals affected with EVC2-related conditions. Algorithms developed to predict the effect of missense changes on protein structure and function are either unavailable or do not agree on the potential impact of this missense change (SIFT: "Deleterious"; PolyPhen-2: "Possibly Damaging"; Align-GVGD: "Class C0"). In summary, the available evidence is currently insufficient to determine the role of this variant in disease. Therefore, it has been classified as a Variant of Uncertain Significance.